The following is an entry in ClinVar:

NM_005592.4(MUSK):c.1119G>T (p.Leu373Phe)

Gene: MUSK (muscle associated receptor tyrosine kinase; plus strand). Cytogenetic location: 9q31.3.
Variant type: single nucleotide variant.
Coding change: c.1119G>T on transcript NM_005592.4 (MANE Select); coding-DNA position 1119, G replaced by T.
Protein change: p.Leu373Phe; replaces leucine 373 with phenylalanine.
Molecular consequence: missense variant. On other transcripts: intron variant (2), 5 prime UTR variant (1).
Genome position (GRCh38, 1-based): chr9:110,768,018, G>T. VCF-style: chr9-110768018-G-T. GRCh37 (hg19) VCF-style: chr9-113530298-G-T.
Other names: c.920+5810G>T (NM_001166281.2); c.-118G>T (NM_001369398.1); c.950+5810G>T (NM_001166280.2); short protein forms L373F.
Identifiers: ClinVar variation 1352765 (VCV001352765.6), dbSNP rs747717789, ClinGen allele CA5184276.
Genomic context (GRCh38, chr9:110,768,018, plus strand): 5'-CACGGCCTGGAATGAACTGAAAGTAGTGAGCCCAGTCTGCCGGCCAGCTGCTGAGGCTTT[G>T]TTGTGTAACCACATCTTCCAGGAGTGCAGTCCTGGAGTAGTGCCTACTCCTATTCCCATT-3'
Protein context (NP_005583.1, residues 363-383): SPVCRPAAEA[Leu373Phe]LCNHIFQECS

ClinVar aggregate classification (germline): Uncertain significance (1 of 4 stars; one submission).

Conditions:
Fetal akinesia deformation sequence 1 (FADS1). Also called: Fetal akinesia sequence; Pena-Shokeir syndrome type I. Identifiers: Orphanet 994, MedGen C1276035, MONDO:0100101, OMIM 208150, HP:0001989.
Congenital myasthenic syndrome 9. Also called: Myasthenic syndrome, congenital, 9, associated with acetylcholine receptor deficiency. Identifiers: Orphanet 590, MedGen C4225368, MONDO:0014587, OMIM 616325.

Allele frequency attached by ClinVar (database versions not stated): gnomAD 0.00001; TOPMed 0.00001.
gnomAD v4.1: 6 of 1,613,880 alleles (0.00037%); highest among the groups gnomAD compares: Non-Finnish European, 0.00051%; no homozygotes.

Submission:

Labcorp Genetics (formerly Invitae), Labcorp
Classification: Uncertain significance for Congenital myasthenic syndrome 9; Fetal akinesia deformation sequence 1. Last evaluated: 2021-11-29. Review status: criteria provided, single submitter. Criteria: Invitae Variant Classification Sherloc (09022015). Collection method: clinical testing. Allele origin: germline.
Comment: In summary, the available evidence is currently insufficient to determine the role of this variant in disease. Therefore, it has been classified as a Variant of Uncertain Significance. Advanced modeling of protein sequence and biophysical properties (such as structural, functional, and spatial information, amino acid conservation, physicochemical variation, residue mobility, and thermodynamic stability) performed at Invitae indicates that this missense variant is not expected to disrupt MUSK protein function. This variant has not been reported in the literature in individuals affected with MUSK-related conditions. This variant is present in population databases (rs747717789, gnomAD 0.002%). This sequence change replaces leucine, which is neutral and non-polar, with phenylalanine, which is neutral and non-polar, at codon 373 of the MUSK protein (p.Leu373Phe).